The following is an entry in ClinVar:

NM_001385641.1(SAMD11):c.1166G>A (p.Arg389His)

Gene: SAMD11 (sterile alpha motif domain containing 11; plus strand). Cytogenetic location: 1p36.33.
Variant type: single nucleotide variant.
Coding change: c.1166G>A on transcript NM_001385641.1 (MANE Select); coding-DNA position 1166, G replaced by A.
Protein change: p.Arg389His; replaces arginine 389 with histidine.
Molecular consequence: missense variant.
Genome position (GRCh38, 1-based): chr1:939,383, G>A. VCF-style: chr1-939383-G-A. GRCh37 (hg19) VCF-style: chr1-874763-G-A.
Other names: c.1169G>A, p.Arg390His (NM_001385640.1); c.629G>A, p.Arg210His (NM_152486.4); c.629G>A (NM_152486.2); short protein forms R390H, R389H, R210H.
Identifiers: ClinVar variation 1930419 (VCV001930419.3), dbSNP rs745305891, ClinGen allele CA502726.

ClinVar aggregate classification (germline): Uncertain significance. Review status: criteria provided, multiple submitters, no conflicts (2 of 4 stars). 2 submissions from 2 submitters: Uncertain significance (2). Last evaluated 2024-03-28.

Allele frequency attached by ClinVar (database versions not stated): gnomAD exomes 0.00001; ExAC 0.00002; TOPMed 0.00003; gnomAD 0.00005.

Submissions (2):

Ambry Genetics
Classification: Uncertain significance. Last evaluated: 2024-03-28. Review status: criteria provided, single submitter. Criteria: Ambry Variant Classification Scheme 2023. Collection method: clinical testing. Allele origin: germline.

Labcorp Genetics (formerly Invitae), Labcorp
Classification: Uncertain significance. Last evaluated: 2022-02-25. Review status: criteria provided, single submitter. Criteria: Invitae Variant Classification Sherloc (09022015). Collection method: clinical testing. Allele origin: germline.
Comment: This sequence change replaces arginine, which is basic and polar, with histidine, which is basic and polar, at codon 210 of the SAMD11 protein (p.Arg210His). This variant is present in population databases (rs745305891, gnomAD 0.03%). This variant has not been reported in the literature in individuals affected with SAMD11-related conditions. Algorithms developed to predict the effect of missense changes on protein structure and function are either unavailable or do not agree on the potential impact of this missense change (SIFT: "Deleterious"; PolyPhen-2: "Possibly Damaging"; Align-GVGD: "Class C0"). In summary, the available evidence is currently insufficient to determine the role of this variant in disease. Therefore, it has been classified as a Variant of Uncertain Significance.